The following is an entry in ClinVar:

ClinVar aggregate classification (germline): Uncertain significance (1 of 4 stars; one submission).

Submission:

Athena Diagnostics
Classification: Uncertain significance. Last evaluated: 2024-11-25. Review status: criteria provided, single submitter. Criteria: Athena Diagnostics Criteria. Collection method: clinical testing. Allele origin: unknown.
Comment: Available data are insufficient to determine the clinical significance of the variant at this time. This variant has not been reported in large, multi-ethnic general populations. Computational tools yielded predictions that this variant is unlikely to have an effect on normal RNA splicing.

NM_032119.4(ADGRV1):c.5235T>C (p.Arg1745=)

Gene: ADGRV1 (adhesion G protein-coupled receptor V1; plus strand). Cytogenetic location: 5q14.3.
Variant type: single nucleotide variant.
Coding change: c.5235T>C on transcript NM_032119.4 (MANE Select); coding-DNA position 5235, T replaced by C.
Protein change: p.Arg1745=; no amino-acid change (arginine 1745 retained).
Molecular consequence: synonymous variant. On other transcripts: non-coding transcript variant (1).
Genome position (GRCh38, 1-based): chr5:90,675,367, T>C. VCF-style: chr5-90675367-T-C. GRCh37 (hg19) VCF-style: chr5-89971184-T-C.
Identifiers: ClinVar variation 3571754 (VCV003571754.1).